The following is an entry in ClinVar:

ClinVar aggregate classification (germline): Uncertain significance (1 of 4 stars; one submission).

Allele frequency attached by ClinVar (database versions not stated): gnomAD exomes below 0.00001.
gnomAD v4.1: 2 of 1,535,908 alleles (0.00013%); highest among the groups gnomAD compares: Non-Finnish European, 0.00018%; no homozygotes.

Submission:

Labcorp Genetics (formerly Invitae), Labcorp
Classification: Uncertain significance. Last evaluated: 2025-06-07. Review status: criteria provided, single submitter. Criteria: Invitae Variant Classification Sherloc (09022015). Collection method: clinical testing. Allele origin: germline.
Comment: This sequence change replaces glutamine, which is neutral and polar, with lysine, which is basic and polar, at codon 1145 of the DCHS1 protein (p.Gln1145Lys). This variant is not present in population databases (gnomAD no frequency). This variant has not been reported in the literature in individuals affected with DCHS1-related conditions. ClinVar contains an entry for this variant (Variation ID: 2003358). Invitae Evidence Modeling of protein sequence and biophysical properties (such as structural, functional, and spatial information, amino acid conservation, physicochemical variation, residue mobility, and thermodynamic stability) indicates that this missense variant is expected to disrupt DCHS1 protein function with a positive predictive value of 80%. In summary, the available evidence is currently insufficient to determine the role of this variant in disease. Therefore, it has been classified as a Variant of Uncertain Significance.

NM_003737.4(DCHS1):c.3433C>A (p.Gln1145Lys)

Gene: DCHS1 (dachsous cadherin-related 1; minus strand). Cytogenetic location: 11p15.4.
Variant type: single nucleotide variant.
Coding change: c.3433C>A on transcript NM_003737.4 (MANE Select); coding-DNA position 3433, C replaced by A.
Protein change: p.Gln1145Lys; replaces glutamine 1145 with lysine.
Molecular consequence: missense variant.
Genome position (GRCh38, 1-based): chr11:6,632,079, G>T on the plus strand (C>A on the coding strand, the complement: DCHS1 is on the minus strand). VCF-style: chr11-6632079-G-T. GRCh37 (hg19) VCF-style: chr11-6653310-G-T.
Other names: short protein forms Q1145K.
Identifiers: ClinVar variation 2003358 (VCV002003358.4), dbSNP rs2493828374, ClinGen allele CA379413295.